The following is an entry in ClinVar:

ClinVar aggregate classification (germline): Uncertain significance (1 of 4 stars; one submission).

Conditions:
Intellectual developmental disorder, X-linked 1. Also called: Atkin Flaitz Patil Smith syndrome; MENTAL RETARDATION, X-LINKED 18; MENTAL RETARDATION, X-LINKED 78; Intellectual disability, X-linked 1. Identifiers: Orphanet 777, MedGen C2931498, MONDO:0010656, OMIM 309530.

Allele frequency attached by ClinVar (database versions not stated): TOPMed 0.00001.

Submission:

Labcorp Genetics (formerly Invitae), Labcorp
Classification: Uncertain significance for Intellectual developmental disorder, X-linked 1. Last evaluated: 2022-07-19. Review status: criteria provided, single submitter. Criteria: Invitae Variant Classification Sherloc (09022015). Collection method: clinical testing. Allele origin: germline.
Comment: In summary, the available evidence is currently insufficient to determine the role of this variant in disease. Therefore, it has been classified as a Variant of Uncertain Significance. Algorithms developed to predict the effect of sequence changes on RNA splicing suggest that this variant may create or strengthen a splice site. Advanced modeling of protein sequence and biophysical properties (such as structural, functional, and spatial information, amino acid conservation, physicochemical variation, residue mobility, and thermodynamic stability) performed at Invitae indicates that this missense variant is not expected to disrupt IQSEC2 protein function. ClinVar contains an entry for this variant (Variation ID: 950786). This variant has not been reported in the literature in individuals affected with IQSEC2-related conditions. This variant is not present in population databases (gnomAD no frequency). This sequence change replaces alanine, which is neutral and non-polar, with valine, which is neutral and non-polar, at codon 1121 of the IQSEC2 protein (p.Ala1121Val).

NM_001111125.3(IQSEC2):c.3362C>T (p.Ala1121Val)

Gene: IQSEC2 (IQ motif and Sec7 domain ArfGEF 2; minus strand). Cytogenetic location: Xp11.22.
Variant type: single nucleotide variant.
Coding change: c.3362C>T on transcript NM_001111125.3 (MANE Select); coding-DNA position 3362, C replaced by T.
Protein change: p.Ala1121Val; replaces alanine 1121 with valine.
Molecular consequence: missense variant.
Genome position (GRCh38, 1-based): chrX:53,236,411, G>A on the plus strand (C>T on the coding strand, the complement: IQSEC2 is on the minus strand). VCF-style: chrX-53236411-G-A. GRCh37 (hg19) VCF-style: chrX-53265593-G-A.
Other names: c.2747C>T, p.Ala916Val (NM_015075.2); short protein forms A1121V, A916V.
Identifiers: ClinVar variation 950786 (VCV000950786.10), dbSNP rs781964002, ClinGen allele CA413144763.